The following is an entry in ClinVar:

ClinVar aggregate classification (germline): Benign (1 of 4 stars; one submission).

Allele frequency attached by ClinVar (database versions not stated): gnomAD 0.21284 and 0.21396; TOPMed 0.21471; 1000 Genomes Project 0.24621; 1000 Genomes Project 30x 0.24750.
gnomAD v4.1: 32,135 of 151,408 alleles (21%); highest among the groups gnomAD compares: African/African-American, 34%; 4,009 homozygotes.

Submission:

GeneDx
Classification: Benign. Last evaluated: 2018-06-14. Review status: criteria provided, single submitter. Criteria: GeneDx Variant Classification (06012015). Collection method: clinical testing. Allele origin: germline. Affected: yes.
Comment: This variant is considered likely benign or benign based on one or more of the following criteria: it is a conservative change, it occurs at a poorly conserved position in the protein, it is predicted to be benign by multiple in silico algorithms, and/or has population frequency not consistent with disease.

NM_001002755.4(NFU1):c.370-184C>T

Gene: NFU1 (NFU1 iron-sulfur cluster scaffold; minus strand). Cytogenetic location: 2p13.3.
Variant type: single nucleotide variant.
Coding change: c.370-184C>T on transcript NM_001002755.4 (MANE Select); 184 bases into the intron before coding-DNA position 370, C replaced by T.
Molecular consequence: intron variant.
Genome position (GRCh38, 1-based): chr2:69,415,483, G>A on the plus strand (C>T on the coding strand, the complement: NFU1 is on the minus strand). VCF-style: chr2-69415483-G-A. GRCh37 (hg19) VCF-style: chr2-69642615-G-A.
Other names: c.298-184C>T (NM_015700.4, NM_001374284.1); c.-54-184C>T (NM_001002756.2).
Identifiers: ClinVar variation 683209 (VCV000683209.1), dbSNP rs7557646, ClinGen allele CA11273915.
Genomic context (GRCh38, chr2:69,415,483, plus strand): 5'-TGGATGGAGTACAGTGGTGTGATCTTGGCTCACTGCAACCTCCGCCTCCTGGGTTCAAGC[G>A]ATTCTCCTGCCTCAGCCTCCCAAGTAGCTGGGACTACAGGTGTGTGCCTTGAACATAAAG-3'